The following is an entry in ClinVar:

ClinVar aggregate classification (germline): Uncertain significance (1 of 4 stars; one submission).

Conditions:
Microcephaly, facial dysmorphism, renal agenesis, and ambiguous genitalia syndrome. Identifiers: MedGen C4748348, MONDO:0020647, OMIM 618142.

Submission:

Juno Genomics, Hangzhou Juno Genomics, Inc
Classification: Uncertain significance for Microcephaly, facial dysmorphism, renal agenesis, and ambiguous genitalia syndrome. Review status: criteria provided, single submitter. Criteria: ACMG Guidelines, 2015. Collection method: clinical testing. Allele origin: germline.
Comment: Absent from controls (or at extremely low frequency if recessive) in Genome Aggregation Database.;Multiple lines of computational evidence support a deleterious effect on the gene or gene product.

NM_001012759.3(CTU2):c.737+5G>A

Gene: CTU2 (cytosolic thiouridylase subunit 2; plus strand). Cytogenetic location: 16q24.3.
Variant type: single nucleotide variant.
Coding change: c.737+5G>A on transcript NM_001012759.3 (MANE Select); 5 bases into the intron after coding-DNA position 737, G replaced by A.
Molecular consequence: intron variant.
Genome position (GRCh38, 1-based): chr16:88,712,910, G>A. VCF-style: chr16-88712910-G-A. GRCh37 (hg19) VCF-style: chr16-88779318-G-A.
Other names: c.950+5G>A (NM_001318507.2); c.737+5G>A (NM_001012762.3); c.476+5G>A (NM_001318513.2).
Identifiers: ClinVar variation 5018640 (VCV005018640.2).
Genomic context (GRCh38, chr16:88,712,910, plus strand): 5'-CTGTTCTGCTCAGTGAGGACACTGACTGCCAAGGAGGAGCTTCTGCAGACCCTGCGGTGA[G>A]GCCCCGAGAGCCCCCCTTCCCCGGGCCCTGACCCCCACTCATGCCCCTGAGAGCCCCCTT-3'